The following is an entry in ClinVar:

NM_003322.6(TULP1):c.1081C>T (p.Arg361Ter)

Gene: TULP1 (TUB like protein 1; minus strand). Cytogenetic location: 6p21.31.
Variant type: single nucleotide variant.
Coding change: c.1081C>T on transcript NM_003322.6 (MANE Select); coding-DNA position 1081, C replaced by T.
Protein change: p.Arg361Ter; replaces arginine 361 with a stop codon.
Molecular consequence: nonsense.
Genome position (GRCh38, 1-based): chr6:35,505,772, G>A on the plus strand (C>T on the coding strand, the complement: TULP1 is on the minus strand). VCF-style: chr6-35505772-G-A. GRCh37 (hg19) VCF-style: chr6-35473549-G-A.
Other names: c.922C>T, p.Arg308Ter (NM_001289395.2); short protein forms R308*, R361*.
Identifiers: ClinVar variation 2136379 (VCV002136379.7), dbSNP rs1237263305, ClinGen allele CA363779668.

ClinVar aggregate classification (germline): Pathogenic. Review status: criteria provided, multiple submitters, no conflicts (2 of 4 stars). 4 submissions from 4 submitters: Pathogenic (4). Last evaluated 2024-11-25.

Conditions:
Retinitis pigmentosa 14 (RP14). Also called: RETINITIS PIGMENTOSA, JUVENILE, TULP1-RELATED. Identifiers: Orphanet 791, MedGen C1838603, MONDO:0010827, OMIM 600132.
Retinal dystrophy. Also called: Inherited retinal dystrophy. Identifiers: Orphanet 71862, MedGen C0854723, MeSH D058499, MONDO:0019118, HP:0000556.
TULP1-related disorder. Also called: TULP1-related condition; TULP1-related disorders.

Allele frequency attached by ClinVar (database versions not stated): TOPMed below 0.00001; gnomAD 0.00001; gnomAD exomes 0.00001.
gnomAD v4.1: 11 of 1,613,998 alleles (0.00068%); highest among the groups gnomAD compares: African/African-American, 0.0013%; no homozygotes.

Submissions (4):

3billion
Classification: Pathogenic for Retinitis pigmentosa 14. Last evaluated: 2024-11-25. Review status: criteria provided, single submitter. Criteria: ACMG Guidelines, 2015. Collection method: clinical testing. Allele origin: germline. Affected: yes.
Comment: The variant is observed at an extremely low frequency in the gnomAD v4.1.0 dataset (total allele frequency: <0.001%). Predicted Consequence/Location: Stop-gained (nonsense): predicted to result in a loss or disruption of normal protein function through nonsense-mediated decay (NMD) or protein truncation. Multiple pathogenic variants are reported downstream of the variant. The variant has been reported to be associated with TULP1-related disorder (ClinVar ID: VCV002136379 /PMID: 23591405). Therefore, this variant is classified as Pathogenic according to the recommendation of ACMG/AMP guideline.

Labcorp Genetics (formerly Invitae), Labcorp
Classification: Pathogenic. Last evaluated: 2022-09-29. Review status: criteria provided, single submitter. Criteria: Invitae Variant Classification Sherloc (09022015). Collection method: clinical testing. Allele origin: germline.
Comment: For these reasons, this variant has been classified as Pathogenic. This premature translational stop signal has been observed in individual(s) with retinitis pigmentosa (PMID: 23591405). This variant is present in population databases (no rsID available, gnomAD 0.0009%). This sequence change creates a premature translational stop signal (p.Arg361*) in the TULP1 gene. It is expected to result in an absent or disrupted protein product. Loss-of-function variants in TULP1 are known to be pathogenic (PMID: 8606774, 10549638, 15024725, 18055821).

Blueprint Genetics
Classification: Pathogenic for TULP1-related disorders. Last evaluated: 2022-04-18. Review status: criteria provided, single submitter. Criteria: ACMG Guidelines, 2015. Collection method: clinical testing. Allele origin: germline. Affected: yes. Observed: 1 variant allele.

Institute of Human Genetics, Univ. Regensburg, Univ. Regensburg
Classification: Pathogenic for Retinal dystrophy. Last evaluated: 2016-01-01. Review status: criteria provided, single submitter. Criteria: ACMG Guidelines, 2015. Collection method: clinical testing. Allele origin: germline. Affected: yes.

Literature cited by the submitters: PubMed 23591405 (cited by 3 submitters); PubMed 8606774 (cited by Labcorp Genetics (formerly Invitae), Labcorp); PubMed 10549638 (cited by Labcorp Genetics (formerly Invitae), Labcorp); PubMed 15024725 (cited by Labcorp Genetics (formerly Invitae), Labcorp); PubMed 18055821 (cited by Labcorp Genetics (formerly Invitae), Labcorp); PubMed 24547928 (cited by Institute of Human Genetics, Univ. Regensburg, Univ. Regensburg); PubMed 29178642 (cited by Institute of Human Genetics, Univ. Regensburg, Univ. Regensburg); PubMed 31964843 (cited by Institute of Human Genetics, Univ. Regensburg, Univ. Regensburg); PubMed 32531858 (cited by Institute of Human Genetics, Univ. Regensburg, Univ. Regensburg); PubMed 33921607 (cited by Institute of Human Genetics, Univ. Regensburg, Univ. Regensburg).